The following is an entry in ClinVar:

NM_000051.4(ATM):c.8761dup (p.Thr2921fs)

Genes: ATM (ATM serine/threonine kinase; plus strand), C11orf65 (chromosome 11 open reading frame 65; minus strand). Cytogenetic location: 11q22.3.
Variant type: Duplication.
Coding change: c.8761dup on transcript NM_000051.4 (MANE Select); coding-DNA position 8761, one base duplicated (A; older notation c.8761dupA).
Protein change: p.Thr2921fs; shifts the reading frame from threonine 2921.
Molecular consequence: frameshift variant. On other transcripts: intron variant (2).
Genome position (GRCh38, 1-based): chr11:108,353,855, A duplicated. VCF-style (leftmost placement, unchanged base first): chr11-108353854-T-TA. GRCh37 (hg19) VCF-style: chr11-108224581-T-TA.
Other names: c.8761dup, p.Thr2921fs (NM_001351834.2); c.640+32065dup (NM_001330368.2); c.695-18563dup (NM_001351110.2); short protein forms T2921fs.
Identifiers: ClinVar variation 2032727 (VCV002032727.5), dbSNP rs2547517983, ClinGen allele CA2580083046.

ClinVar aggregate classification (germline): Pathogenic/Likely pathogenic. Review status: criteria provided, multiple submitters, no conflicts (2 of 4 stars). 2 submissions from 2 submitters: Pathogenic (1); Likely pathogenic (1). Last evaluated 2025-10-11.

Conditions:
Familial cancer of breast. Also called: BREAST CANCER, FAMILIAL; Hereditary breast cancer; hereditary breast carcinoma. Identifiers: Orphanet 227535, MedGen C0346153, MONDO:0016419, OMIM 114480. Disease mechanism: loss of function.
Ataxia-telangiectasia syndrome (AT). Also called: Ataxia-telangiectasia, complementation group D; AT, COMPLEMENTATION GROUP C; ATAXIA-TELANGIECTASIA, COMPLEMENTATION GROUP A; ATAXIA-TELANGIECTASIA, FRESNO VARIANT; Ataxia-telangiectasia, complementation group E; LOUIS-BAR SYNDROME. Identifiers: Orphanet 100, MedGen C0004135, MONDO:0008840, OMIM 208900.

Submissions (2):

Labcorp Genetics (formerly Invitae), Labcorp
Classification: Pathogenic for Ataxia-telangiectasia syndrome. Last evaluated: 2025-10-11. Review status: criteria provided, single submitter. Criteria: Invitae Variant Classification Sherloc (09022015). Collection method: clinical testing. Allele origin: germline.
Comment: This sequence change creates a premature translational stop signal (p.Thr2921Asnfs*4) in the ATM gene. It is expected to result in an absent or disrupted protein product. Loss-of-function variants in ATM are known to be pathogenic (PMID: 23807571, 25614872). This variant is not present in population databases (gnomAD no frequency). This variant has not been reported in the literature in individuals affected with ATM-related conditions. ClinVar contains an entry for this variant (Variation ID: 2032727). For these reasons, this variant has been classified as Pathogenic.

Neuberg Centre For Genomic Medicine, NCGM
Classification: Likely pathogenic for Familial cancer of breast. Last evaluated: 2023-06-22. Review status: criteria provided, single submitter. Criteria: ACMG Guidelines, 2015. Collection method: clinical testing. Allele origin: germline. Inheritance: Autosomal dominant inheritance. Affected: yes.
Comment: The frameshift variant c.8761dup(p.Thr2921AsnfsTer4) in ATM gene has not been reported previously as a pathogenic variant nor as a benign variant, to our knowledge. The observed variant is absent in gnomAD exomes database. This variant has been submitted to the ClinVar database as Pathogenic. This variant causes a frameshift starting with codon Threonine 2921, changes this amino acid to Asparagine residue, and creates a premature Stop codon at position 4 of the new reading frame, denoted p.Thr2921AsnfsTer4. It is expected to result in an absent or disrupted protein product. Loss-of-function variants in ATM are known to be pathogenic (Podralska et. al,, 2014). For these reasons, this variant has been classified as Likely Pathogenic.

Literature cited by the submitters: PubMed 23807571 (cited by Labcorp Genetics (formerly Invitae), Labcorp); PubMed 25614872 (cited by Labcorp Genetics (formerly Invitae), Labcorp).